The following is an entry in ClinVar:

NM_001375380.1(EBF3):c.479T>C (p.Met160Thr)

Gene: EBF3 (EBF transcription factor 3; minus strand). Cytogenetic location: 10q26.3.
Variant type: single nucleotide variant.
Coding change: c.479T>C on transcript NM_001375380.1 (MANE Select); coding-DNA position 479, T replaced by C.
Protein change: p.Met160Thr; replaces methionine 160 with threonine.
Molecular consequence: missense variant.
Genome position (GRCh38, 1-based): chr10:129,958,940, A>G on the plus strand (T>C on the coding strand, the complement: EBF3 is on the minus strand). VCF-style: chr10-129958940-A-G. GRCh37 (hg19) VCF-style: chr10-131757204-A-G.
Other names: c.479T>C, p.Met160Thr (NM_001005463.3, NM_001375379.1, NM_001375389.1 and 3 more transcripts); short protein forms M160T.
Identifiers: ClinVar variation 3086837 (VCV003086837.2), dbSNP rs2493641845, ClinGen allele CA378910614.

ClinVar aggregate classification (germline): Uncertain significance (1 of 4 stars; one submission).

Conditions:
Inborn genetic diseases. Identifiers: MedGen C0950123, MeSH D030342.

Submission:

Ambry Genetics
Classification: Uncertain significance for Inborn genetic diseases. Last evaluated: 2024-04-12. Review status: criteria provided, single submitter. Criteria: Ambry Variant Classification Scheme 2023. Collection method: clinical testing. Allele origin: germline.
Comment: The c.479T>C (p.M160T) alteration is located in exon 5 (coding exon 5) of the EBF3 gene. This alteration results from a T to C substitution at nucleotide position 479, causing the methionine (M) at amino acid position 160 to be replaced by a threonine (T). This variant was not reported in population-based cohorts in the Genome Aggregation Database (gnomAD). This amino acid position is highly conserved in available vertebrate species. This missense alteration is located in a region that has a low rate of benign missense variation (Lek, 2016; Firth, 2009). This alteration is predicted to be deleterious by in silico analysis. Based on insufficient or conflicting evidence, the clinical significance of this alteration remains unclear.